The following is an entry in ClinVar:

NM_004655.4(AXIN2):c.148C>T (p.Pro50Ser)

Gene: AXIN2 (axin 2; minus strand). Cytogenetic location: 17q24.1.
Variant type: single nucleotide variant.
Coding change: c.148C>T on transcript NM_004655.4 (MANE Select); coding-DNA position 148, C replaced by T.
Protein change: p.Pro50Ser; replaces proline 50 with serine.
Molecular consequence: missense variant.
Genome position (GRCh38, 1-based): chr17:65,558,473, G>A on the plus strand (C>T on the coding strand, the complement: AXIN2 is on the minus strand). VCF-style: chr17-65558473-G-A. GRCh37 (hg19) VCF-style: chr17-63554591-G-A.
Other names: c.148C>T, p.Pro50Ser (NM_001363813.1); short protein forms P50S.
Identifiers: ClinVar variation 259511 (VCV000259511.52), dbSNP rs2240308, ClinGen allele CA8719093.

ClinVar aggregate classification (germline): Benign. Review status: criteria provided, multiple submitters, no conflicts (2 of 4 stars). 19 submissions from 19 submitters: Benign (15). 4 of the submissions do not count toward it. Last evaluated 2026-02-04.

Conditions:
Hereditary cancer-predisposing syndrome. Also called: Tumor predisposition; Hereditary neoplastic syndrome; Hereditary Cancer Syndrome; Neoplastic Syndromes, Hereditary. Identifiers: Orphanet 140162, MedGen C0027672, MeSH D009386, MONDO:0015356.
Oligodontia-cancer predisposition syndrome. Also called: TOOTH AGENESIS-COLORECTAL CANCER SYNDROME. Identifiers: Orphanet 300576, MedGen C1837750, MONDO:0012075, OMIM 608615. Disease mechanism: loss of function.

Allele frequency attached by ClinVar (database versions not stated): 1000 Genomes Project 30x 0.33635; 1000 Genomes Project 0.33766; TOPMed 0.38490; gnomAD 0.39067 and 0.39485; ESP Exome Variant Server 0.39482; ExAC 0.47373; gnomAD exomes 0.47417 and 0.50322.
gnomAD v4.1: 789,870 of 1,605,836 alleles (49%); highest among the groups gnomAD compares: Non-Finnish European, 52%; 201,815 homozygotes.

Submissions (19):

Labcorp Genetics (formerly Invitae), Labcorp
Classification: Benign for Oligodontia-cancer predisposition syndrome. Last evaluated: 2026-02-04. Review status: criteria provided, single submitter. Criteria: Invitae Variant Classification Sherloc (09022015). Collection method: clinical testing. Allele origin: germline.

Molecular Diagnostics Laboratory, Catalan Institute of Oncology
Classification: Benign for Hereditary cancer-predisposing syndrome. Last evaluated: 2025-08-25. Review status: criteria provided, single submitter. Criteria: ACMG Guidelines, 2015. Collection method: clinical testing. Allele origin: germline.
Comment: BA1 c.148C>T, located in exon 2 of theAXIN2 gene, is predicted to result in the substitution of Proline with Serine at codon 50, p.(Pro50Ser).The variant allele was found in 61109/116032 alleles, with a filtering allele frequency of 52.17% at 99% confidence, within the NFE population in the gnomAD v2.1.1 database (non-cancer data set) (BA1). Additional information has not been evaluated for this variant. Based on the currently available evidence, c.148C>T is classified as a benign variant according to ACMG guidelines.

ARUP Laboratories, Molecular Genetics and Genomics, ARUP Laboratories
Classification: Benign. Last evaluated: 2025-07-30. Review status: criteria provided, single submitter. Criteria: ARUP Molecular Germline Variant Investigation Process 2024. Collection method: clinical testing. Allele origin: germline.

GeneKor MSA
Classification: Benign for Hereditary cancer-predisposing syndrome. Last evaluated: 2025-07-10. Review status: criteria provided, single submitter. Criteria: ACMG Guidelines, 2015. Collection method: clinical testing. Allele origin: germline.

Blueprint Genetics
Classification: Benign. Last evaluated: 2024-11-28. Review status: criteria provided, single submitter. Criteria: ACMG Guidelines, 2015. Collection method: clinical testing. Allele origin: germline.

Myriad Genetics, Inc.
Classification: Benign for Oligodontia-cancer predisposition syndrome. Last evaluated: 2024-06-25. Review status: criteria provided, single submitter. Criteria: Myriad Autosomal Dominant, Autosomal Recessive and X-Linked Classification Criteria (2023). Collection method: clinical testing. Allele origin: unknown.
Comment: This variant is considered benign. This variant has been observed at a population frequency that is significantly greater than expected given the associated disease prevalence and penetrance.

KCCC/NGS Laboratory, Kuwait Cancer Control Center
Classification: Benign for Oligodontia-cancer predisposition syndrome. Last evaluated: 2023-07-07. Review status: criteria provided, single submitter. Criteria: ACMG Guidelines, 2015. Collection method: clinical testing. Allele origin: germline. Affected: yes.

Genome-Nilou Lab
Classification: Benign for Oligodontia-cancer predisposition syndrome. Last evaluated: 2021-07-14. Review status: criteria provided, single submitter. Criteria: ACMG Guidelines, 2015. Collection method: clinical testing. Allele origin: germline. Affected: no.

Ambry Genetics
Classification: Benign for Hereditary cancer-predisposing syndrome. Last evaluated: 2018-09-10. Review status: criteria provided, single submitter. Criteria: Ambry Variant Classification Scheme 2023. Collection method: clinical testing. Allele origin: germline.

Illumina Laboratory Services, Illumina
Classification: Benign for Oligodontia-cancer predisposition syndrome. Last evaluated: 2018-03-06. Review status: criteria provided, single submitter. Criteria: ICSL Variant Classification Criteria 13 December 2019. Collection method: clinical testing. Allele origin: germline.
Comment: This variant was observed in the ICSL laboratory as part of a predisposition screen in an ostensibly healthy population. It had not been previously curated by ICSL or reported in the Human Gene Mutation Database (HGMD: prior to June 1st, 2018), and was therefore a candidate for classification through an automated scoring system. Utilizing variant allele frequency, disease prevalence and penetrance estimates, and inheritance mode, an automated score was calculated to assess if this variant is too frequent to cause the disease. Based on the score and internal cut-off values, a variant classified as benign is not then subjected to further curation. The score for this variant resulted in a classification of benign for this disease.

Women's Health and Genetics/Laboratory Corporation of America, LabCorp
Classification: Benign. Last evaluated: 2016-04-26. Review status: criteria provided, single submitter. Criteria: LabCorp Variant Classification Summary - May 2015. Collection method: clinical testing. Allele origin: germline.
Comment: Variant summary: The c.148C>T variant affects a non-conserved nucleotide, resulting in amino acid change from Pro to Ser. 3/4 in-silico tools predict this variant to be benign. This variant is found in 56448/119156 control chromosomes (14394 homozygotes) from the large and broad populations of ExAC at a frequency of 0.4737319, which is about 3335 times greater than the maximal expected frequency of a pathogenic allele (0.0001421), suggesting this variant is a very common benign polymorphism. In a case-control study, authors found that the AXIN2 Pro50Ser SNP is associated with development of lung cancer as a protective SNP, while an association between the AXIN2 SNP and risk of colorectal cancer and of head and neck cancer was not observed (Kanzaki_IJMM_2006). Taken together, this variant was classified as Benign.

Laboratory for Molecular Medicine, Mass General Brigham Personalized Medicine
Classification: Benign. Last evaluated: 2016-03-29. Review status: criteria provided, single submitter. Criteria: LMM Criteria. Collection method: clinical testing. Allele origin: germline.
Comment: Variant identified in a genome or exome case(s) and assessed due to predicted null impact of the variant or pathogenic assertions in the literature or databases. Disclaimer: This variant has not undergone full assessment. The following are preliminary notes: Frequency

GeneDx
Classification: Benign. Last evaluated: 2015-03-03. Review status: criteria provided, single submitter. Criteria: GeneDx Variant Classification Process June 2021. Collection method: clinical testing. Allele origin: germline. Affected: yes.
Comment: This variant is associated with the following publications: (PMID: 26514524, 29114927, 28204848, 27153395, 16820935, 19065536)

Breakthrough Genomics
Classification: Benign. Review status: criteria provided, single submitter. Criteria: ACMG Guidelines, 2015. Collection method: not provided. Allele origin: germline. Inheritance: Autosomal dominant inheritance. Affected: yes.

PreventionGenetics, part of Exact Sciences
Classification: Benign. Review status: criteria provided, single submitter. Criteria: ACMG Guidelines, 2015. Collection method: clinical testing. Allele origin: germline.

Clinical Genetics, Academic Medical Center
Classification: Benign. Review status: no assertion criteria provided. Collection method: clinical testing. Allele origin: germline. Affected: yes. Study: VKGL Data-share Consensus. Not counted in ClinVar's aggregate classification.

Diagnostic Laboratory, Department of Genetics, University Medical Center Groningen
Classification: Benign. Review status: no assertion criteria provided. Collection method: clinical testing. Allele origin: germline. Affected: yes. Study: VKGL Data-share Consensus. Not counted in ClinVar's aggregate classification.

Genome Diagnostics Laboratory, University Medical Center Utrecht
Classification: Benign. Review status: no assertion criteria provided. Collection method: clinical testing. Allele origin: germline. Affected: yes. Study: VKGL Data-share Consensus. Not counted in ClinVar's aggregate classification.

Mayo Clinic Laboratories, Mayo Clinic
Classification: Benign. Review status: no assertion criteria provided. Collection method: clinical testing. Allele origin: unknown. Not counted in ClinVar's aggregate classification.

Literature cited by the submitters: PubMed 16820935 (cited by Women's Health and Genetics/Laboratory Corporation of America, LabCorp).